The following is an entry in ClinVar:

ClinVar aggregate classification (germline): Uncertain significance. Review status: criteria provided, multiple submitters, no conflicts (2 of 4 stars). 2 submissions from 2 submitters: Uncertain significance (2). Last evaluated 2022-10-19.

Conditions:
Familial thoracic aortic aneurysm and aortic dissection (TAAD). Also called: Thoracic aortic aneurysms and dissections. Identifiers: Orphanet 91387, MedGen C4707243, MONDO:0019625.

Submissions (2):

GeneDx
Classification: Uncertain significance. Last evaluated: 2022-10-19. Review status: criteria provided, single submitter. Criteria: GeneDx Variant Classification Process June 2021. Collection method: clinical testing. Allele origin: germline. Affected: yes.
Comment: Has not been previously published as pathogenic or benign to our knowledge; Not observed at significant frequency in large population cohorts (gnomAD); In silico analysis supports that this missense variant has a deleterious effect on protein structure/function

Labcorp Genetics (formerly Invitae), Labcorp
Classification: Uncertain significance for Familial thoracic aortic aneurysm and aortic dissection. Last evaluated: 2021-08-20. Review status: criteria provided, single submitter. Criteria: Invitae Variant Classification Sherloc (09022015). Collection method: clinical testing. Allele origin: germline.
Comment: This sequence change replaces leucine with proline at codon 340 of the SMAD3 protein (p.Leu340Pro). The leucine residue is highly conserved and there is a moderate physicochemical difference between leucine and proline. In summary, the available evidence is currently insufficient to determine the role of this variant in disease. Therefore, it has been classified as a Variant of Uncertain Significance. Advanced modeling of protein sequence and biophysical properties (such as structural, functional, and spatial information, amino acid conservation, physicochemical variation, residue mobility, and thermodynamic stability) performed at Invitae indicates that this missense variant is expected to disrupt SMAD3 protein function. This missense change has been observed in individual(s) with aortic dissection (Invitae). This variant is not present in population databases (ExAC no frequency).

NM_005902.4(SMAD3):c.1019T>C (p.Leu340Pro)

Gene: SMAD3 (SMAD family member 3; plus strand). Cytogenetic location: 15q22.33.
Variant type: single nucleotide variant.
Coding change: c.1019T>C on transcript NM_005902.4 (MANE Select); coding-DNA position 1019, T replaced by C.
Protein change: p.Leu340Pro; replaces leucine 340 with proline.
Molecular consequence: missense variant.
Genome position (GRCh38, 1-based): chr15:67,187,374, T>C. VCF-style: chr15-67187374-T-C. GRCh37 (hg19) VCF-style: chr15-67479712-T-C.
Other names: c.704T>C, p.Leu235Pro (NM_001145102.2); c.887T>C, p.Leu296Pro (NM_001145103.2); c.434T>C, p.Leu145Pro (NM_001145104.2); short protein forms L340P, L145P, L235P, L296P.
Identifiers: ClinVar variation 1470793 (VCV001470793.8), dbSNP rs2140323401, ClinGen allele CA392958067.